The following is an entry in ClinVar:

NM_000465.4(BARD1):c.2286G>A (p.Trp762Ter)

Gene: BARD1 (BRCA1 associated RING domain 1; minus strand). Cytogenetic location: 2q35.
Variant type: single nucleotide variant.
Coding change: c.2286G>A on transcript NM_000465.4 (MANE Select); coding-DNA position 2286, G replaced by A.
Protein change: p.Trp762Ter; replaces tryptophan 762 with a stop codon.
Molecular consequence: nonsense. On other transcripts: non-coding transcript variant (3).
Genome position (GRCh38, 1-based): chr2:214,728,724, C>T on the plus strand (G>A on the coding strand, the complement: BARD1 is on the minus strand). VCF-style: chr2-214728724-C-T. GRCh37 (hg19) VCF-style: chr2-215593448-C-T.
Other names: c.2229G>A, p.Trp743Ter (NM_001282543.2); c.933G>A, p.Trp311Ter (NM_001282545.2); c.876G>A, p.Trp292Ter (NM_001282548.2); c.747G>A, p.Trp249Ter (NM_001282549.2); short protein forms W762*, W743*, W249*, W311*, W292*.
Identifiers: ClinVar variation 2036678 (VCV002036678.5), dbSNP rs1262069856, ClinGen allele CA350449897.

ClinVar aggregate classification (germline): Pathogenic/Likely pathogenic. Review status: criteria provided, multiple submitters, no conflicts (2 of 4 stars). 2 submissions from 2 submitters: Pathogenic (1); Likely pathogenic (1). Last evaluated 2025-08-20.

Conditions:
Familial cancer of breast. Also called: BREAST CANCER, FAMILIAL; hereditary breast carcinoma; Hereditary breast cancer. Identifiers: Orphanet 227535, MedGen C0346153, MONDO:0016419, OMIM 114480. Disease mechanism: loss of function.

Submissions (2):

Myriad Genetics, Inc.
Classification: Pathogenic for Familial cancer of breast. Last evaluated: 2025-08-20. Review status: criteria provided, single submitter. Criteria: Myriad Autosomal Dominant, Autosomal Recessive and X-Linked Classification Criteria (2023). Collection method: clinical testing. Allele origin: unknown.
Comment: This variant is considered pathogenic. This variant creates a termination codon and is predicted to result in premature protein truncation.

Labcorp Genetics (formerly Invitae), Labcorp
Classification: Likely pathogenic for Familial cancer of breast. Last evaluated: 2022-10-23. Review status: criteria provided, single submitter. Criteria: Invitae Variant Classification Sherloc (09022015). Collection method: clinical testing. Allele origin: germline.
Comment: In summary, the currently available evidence indicates that the variant is pathogenic, but additional data are needed to prove that conclusively. Therefore, this variant has been classified as Likely Pathogenic. This variant disrupts the C-terminal BRCT domain of BARD1 protein, which is required for chromosome stability and homology-directed repair (PMID: 17848578). A different variant (p.Val767fs) that lies downstream of this variant has been reported to affect BARD1 protein function (PMID: 30925164), this suggests that disruption of this region of the protein is causative of disease. This variant has not been reported in the literature in individuals affected with BARD1-related conditions. This variant is not present in population databases (gnomAD no frequency). This sequence change creates a premature translational stop signal (p.Trp762*) in the BARD1 gene. While this is not anticipated to result in nonsense mediated decay, it is expected to disrupt the last 16 amino acid(s) of the BARD1 protein.

Literature cited by the submitters: PubMed 17848578 (cited by Labcorp Genetics (formerly Invitae), Labcorp); PubMed 30925164 (cited by Labcorp Genetics (formerly Invitae), Labcorp).